The following is an entry in ClinVar:

NM_020937.4(FANCM):c.3628C>T (p.Gln1210Ter)

Gene: FANCM (FA complementation group M; plus strand). Cytogenetic location: 14q21.2.
Variant type: single nucleotide variant.
Coding change: c.3628C>T on transcript NM_020937.4 (MANE Select); coding-DNA position 3628, C replaced by T.
Protein change: p.Gln1210Ter; replaces glutamine 1210 with a stop codon.
Molecular consequence: nonsense.
Genome position (GRCh38, 1-based): chr14:45,176,382, C>T. VCF-style: chr14-45176382-C-T. GRCh37 (hg19) VCF-style: chr14-45645585-C-T.
Other names: c.3550C>T, p.Gln1184Ter (NM_001308133.2); c.3628C>T (NM_020937.2); short protein forms Q1210*, Q1184*.
Identifiers: ClinVar variation 1453681 (VCV001453681.6), dbSNP rs372276411, ClinGen allele CA7169544.

ClinVar aggregate classification (germline): Pathogenic/Likely pathogenic. Review status: criteria provided, multiple submitters, no conflicts (2 of 4 stars). 2 submissions from 2 submitters: Pathogenic (1); Likely pathogenic (1). Last evaluated 2024-12-17.

Conditions:
Fanconi anemia (FA). Also called: Fanconi's anemia. Identifiers: Orphanet 84, MedGen C0015625, MeSH D005199, MONDO:0019391.

Allele frequency attached by ClinVar (database versions not stated): ESP Exome Variant Server 0.00008.
gnomAD v4.1: 9 of 1,612,578 alleles (0.00056%); highest among the groups gnomAD compares: African/African-American, 0.011%; no homozygotes.

Submissions (2):

Labcorp Genetics (formerly Invitae), Labcorp
Classification: Pathogenic for Fanconi anemia. Last evaluated: 2024-12-17. Review status: criteria provided, single submitter. Criteria: Invitae Variant Classification Sherloc (09022015). Collection method: clinical testing. Allele origin: germline.
Comment: This sequence change creates a premature translational stop signal (p.Gln1210*) in the FANCM gene. It is expected to result in an absent or disrupted protein product. Loss-of-function variants in FANCM are known to be pathogenic (PMID: 29895858, 30075111). This variant is present in population databases (rs372276411, gnomAD 0.02%). This variant has not been reported in the literature in individuals affected with FANCM-related conditions. ClinVar contains an entry for this variant (Variation ID: 1453681). For these reasons, this variant has been classified as Pathogenic.

GeneDx
Classification: Likely pathogenic. Last evaluated: 2023-05-08. Review status: criteria provided, single submitter. Criteria: GeneDx Variant Classification Process June 2021. Collection method: clinical testing. Allele origin: germline. Affected: yes.
Comment: Nonsense variant predicted to result in protein truncation or nonsense mediated decay in a gene for which loss of function is a known mechanism of disease; Observed in individuals with breast cancer (Palmer et al., 2020); This variant is associated with the following publications: (PMID: 32427313)

Literature cited by the submitters: PubMed 29895858 (cited by Labcorp Genetics (formerly Invitae), Labcorp); PubMed 30075111 (cited by Labcorp Genetics (formerly Invitae), Labcorp).